The following is an entry in ClinVar:

NM_194248.3(OTOF):c.1621G>A (p.Gly541Ser)

Gene: OTOF (otoferlin; minus strand). Cytogenetic location: 2p23.3.
Variant type: single nucleotide variant.
Coding change: c.1621G>A on transcript NM_194248.3 (MANE Select); coding-DNA position 1621, G replaced by A.
Protein change: p.Gly541Ser; replaces glycine 541 with serine.
Molecular consequence: missense variant.
Genome position (GRCh38, 1-based): chr2:26,480,968, C>T on the plus strand (G>A on the coding strand, the complement: OTOF is on the minus strand). VCF-style: chr2-26480968-C-T. GRCh37 (hg19) VCF-style: chr2-26703836-C-T.
Other names: c.1621G>A, p.Gly541Ser (NM_001287489.2); short protein forms G541S.
Identifiers: ClinVar variation 40177 (VCV000040177.5), dbSNP rs397515435, ClinGen allele CA261250.

ClinVar aggregate classification (germline): Pathogenic. Review status: criteria provided, multiple submitters, no conflicts (2 of 4 stars). 6 submissions from 6 submitters: Pathogenic (4). 2 of the submissions do not count toward it. Last evaluated 2025-10-29.

Conditions:
Nonsyndromic genetic hearing loss. Also called: Nonsyndromic hearing loss and deafness; Nonsyndromic genetic deafness; Non-syndromic genetic deafness. Identifiers: Orphanet 87884, MedGen C5680182, MONDO:0019497.
Autosomal recessive nonsyndromic hearing loss 9. Also called: NEUROSENSORY NONSYNDROMIC RECESSIVE DEAFNESS 9; OTOF-Related Hearing Loss; AUDITORY NEUROPATHY, AUTOSOMAL RECESSIVE, 1, TEMPERATURE-SENSITIVE; Deafness, autosomal recessive 9. Identifiers: Orphanet 90636, MedGen C1832828, MONDO:0010986, OMIM 601071.

Allele frequency attached by ClinVar (database versions not stated): gnomAD exomes 0.00001 and below 0.00001; ExAC 0.00001; gnomAD 0.00001; TOPMed 0.00002.
gnomAD v4.1: 6 of 1,613,060 alleles (0.00037%); highest among the groups gnomAD compares: Admixed American, 0.0017%; no homozygotes.

Submissions (6):

Labcorp Genetics (formerly Invitae), Labcorp
Classification: Pathogenic. Last evaluated: 2025-10-29. Review status: criteria provided, single submitter. Criteria: Invitae Variant Classification Sherloc (09022015). Collection method: clinical testing. Allele origin: germline.
Comment: This sequence change replaces glycine, which is neutral and non-polar, with serine, which is neutral and polar, at codon 541 of the OTOF protein (p.Gly541Ser). This variant is present in population databases (rs397515435, gnomAD 0.003%). This missense change has been observed in individual(s) with auditory neuropathy and/or sensorineural hearing loss (PMID: 2575033, 26778470, 34416374, 38224868, 38378725). In at least one individual the data is consistent with being in trans (on the opposite chromosome) from a pathogenic variant. ClinVar contains an entry for this variant (Variation ID: 40177). Invitae Evidence Modeling of protein sequence and biophysical properties (such as structural, functional, and spatial information, amino acid conservation, physicochemical variation, residue mobility, and thermodynamic stability) has been performed for this missense variant. However, the output from this modeling did not meet the statistical confidence thresholds required to predict the impact of this variant on OTOF protein function. For these reasons, this variant has been classified as Pathogenic.

Women's Health and Genetics/Laboratory Corporation of America, LabCorp
Classification: Pathogenic for Nonsyndromic genetic hearing loss. Last evaluated: 2024-12-26. Review status: criteria provided, single submitter. Criteria: LabCorp Variant Classification Summary - May 2015. Collection method: clinical testing. Allele origin: germline.
Comment: Variant summary: OTOF c.1621G>A (p.Gly541Ser) results in a non-conservative amino acid change located in the C2 domain third repeat in Ferlin of the encoded protein sequence. Five of five in-silico tools predict a damaging effect of the variant on protein function. The variant allele was found at a frequency of 8e-06 in 249504 control chromosomes. c.1621G>A has been reported in the literature in multiple individuals affected with Nonsyndromic Hearing Loss And Deafness, Type 9. These data indicate that the variant is very likely to be associated with disease. To our knowledge, no experimental evidence demonstrating an impact on protein function has been reported. The following publications have been ascertained in the context of this evaluation (PMID: 38378725, 38224868, 30368385, 34416374, 22575033). ClinVar contains an entry for this variant (Variation ID: 40177). Based on the evidence outlined above, the variant was classified as pathogenic.

Division of Hearing and Balance Research, National Hospital Organization Tokyo Medical Center
Classification: Pathogenic for Autosomal recessive nonsyndromic hearing loss 9. Last evaluated: 2017-07-01. Review status: criteria provided, single submitter. Criteria: Submitter's publication. Collection method: clinical testing. Allele origin: germline. Affected: yes. Observed: 1 variant allele.

Clinical Genetics Service, Universitary Hospital 12 de Octubre
Classification: Pathogenic for Autosomal recessive nonsyndromic hearing loss 9. Review status: criteria provided, single submitter. Criteria: ACMG Guidelines, 2015. Collection method: clinical testing. Allele origin: maternal. Affected: yes.

Diagnosis and Treatment Center of Genetic Hearing Loss, Eye & ENT Hospital of Fudan University
Classification: Likely pathogenic for Autosomal recessive nonsyndromic hearing loss 9. Last evaluated: 2026-02-04. Review status: no assertion criteria provided. Collection method: clinical testing. Allele origin: germline. Inheritance: Autosomal recessive inheritance. Affected: yes. Not counted in ClinVar's aggregate classification.
Comment: The c.1621G>A missense variant in OTOF has a population frequency of 0.000008 (PM2_Supporting). It has been reported in at least three patients: two with a second pathogenic/likely pathogenic variant (c.[1621G>A];[1961_1964dup] in trans and c.1621G>A(;)2867-5_2881del) with uncertain phasing and one homozygous (PM3_Strong). The REVEL score is 0.872 (PP3_Moderate). The phenotype is consistent (PP4). (PMID: 22575033, 38456936, 38224868)

OMIM
Classification: Pathogenic for AUDITORY NEUROPATHY, AUTOSOMAL RECESSIVE, 1, TEMPERATURE-SENSITIVE. Last evaluated: 2012-11-01. Review status: no assertion criteria provided. Collection method: literature only. Allele origin: germline. Not counted in ClinVar's aggregate classification.

Literature cited by the submitters: PubMed 2575033 (cited by Labcorp Genetics (formerly Invitae), Labcorp); PubMed 26778470 (cited by Labcorp Genetics (formerly Invitae), Labcorp); PubMed 34416374 (cited by Labcorp Genetics (formerly Invitae), Labcorp and Women's Health and Genetics/Laboratory Corporation of America, LabCorp); PubMed 38224868 (cited by 3 submitters); PubMed 38378725 (cited by Labcorp Genetics (formerly Invitae), Labcorp and Women's Health and Genetics/Laboratory Corporation of America, LabCorp); PubMed 30368385 (cited by Women's Health and Genetics/Laboratory Corporation of America, LabCorp); PubMed 22575033 (cited by 3 submitters); PubMed 38456936 (cited by Diagnosis and Treatment Center of Genetic Hearing Loss, Eye & ENT Hospital of Fudan University).